The following is an entry in ClinVar:

NM_138927.4(SON):c.2715G>A (p.Met905Ile)

Gene: SON (SON DNA and RNA binding protein; plus strand). Cytogenetic location: 21q22.11.
Variant type: single nucleotide variant.
Coding change: c.2715G>A on transcript NM_138927.4 (MANE Select); coding-DNA position 2715, G replaced by A.
Protein change: p.Met905Ile; replaces methionine 905 with isoleucine.
Molecular consequence: missense variant. On other transcripts: non-coding transcript variant (1), intron variant (1).
Genome position (GRCh38, 1-based): chr21:33,551,946, G>A. VCF-style: chr21-33551946-G-A. GRCh37 (hg19) VCF-style: chr21-34924252-G-A.
Other names: c.2715G>A, p.Met905Ile (NM_001291411.2, NM_032195.3); c.245-5210G>A (NM_001291412.3); short protein forms M905I.
Identifiers: ClinVar variation 1028931 (VCV001028931.1), dbSNP rs1468904625, ClinGen allele CA410158597.
Genomic context (GRCh38, chr21:33,551,946, plus strand): 5'-GTTAGCGTCTGGTACCATGGATGCCCAGATGTTAGCGTCTAGTACCCAAGATTCTGCTAT[G>A]TTGGGTTCAAAATCTCCTGATCCCTATAGGTTAGCTCAGGATCCTTACAGGTTAGCTCAG-3'
Protein context (NP_620305.3, residues 895-915): MLASSTQDSA[Met905Ile]LGSKSPDPYR

ClinVar aggregate classification (germline): Uncertain significance (1 of 4 stars; one submission).

Conditions:
ZTTK syndrome (ZTTKS). Also called: ZTTK MULTIPLE CONGENITAL ANOMALIES-MENTAL RETARDATION SYNDROME; Zhu-Tokita-Takenouchi-Kim Syndrome. Identifiers: Orphanet 500150, MedGen C4310696, MONDO:0014936, OMIM 617140.

Submission:

Baylor Genetics
Classification: Uncertain significance for ZTTK syndrome. Last evaluated: 2020-02-27. Review status: criteria provided, single submitter. Criteria: ACMG Guidelines, 2015. Collection method: clinical testing. Allele origin: unknown. Affected: yes.
Comment: This variant was determined to be of uncertain significance according to ACMG Guidelines, 2015 [PMID:25741868].